The following is an entry in ClinVar:

ClinVar aggregate classification (germline): Pathogenic/Likely pathogenic. Review status: criteria provided, multiple submitters, no conflicts (2 of 4 stars). 3 submissions from 3 submitters: Pathogenic (1); Likely pathogenic (1). 1 of the submissions does not count toward it. Last evaluated 2025-06-03.

Conditions:
COACH syndrome 2. Identifiers: MedGen C5436837, MONDO:0030859, OMIM 619111.
Meckel syndrome, type 6. Identifiers: Orphanet 564, MedGen C2676790, MONDO:0012848, OMIM 612284.
Joubert syndrome 9 (JBTS9). Identifiers: Orphanet 2318, MedGen C2676788, MONDO:0012849, OMIM 612285.
Retinitis pigmentosa 93. Identifiers: MedGen C5676970, MONDO:0030797, OMIM 619845.
Joubert syndrome and related disorders. Identifiers: Orphanet 140874, MedGen C5679612, MONDO:0015369.
Retinal dystrophy. Also called: Inherited retinal dystrophy. Identifiers: Orphanet 71862, MedGen C0854723, MeSH D058499, MONDO:0019118, HP:0000556.

gnomAD v4.1: 6 of 1,613,534 alleles (0.00037%); highest among the groups gnomAD compares: Non-Finnish European, 0.00051%; no homozygotes.

Submissions (3):

First Genomix Gene Laboratory, Genetic Diagnostics Department
Classification: Likely pathogenic for COACH syndrome 2; Joubert syndrome 9; Meckel syndrome, type 6; Retinitis pigmentosa 93. Last evaluated: 2025-06-03. Review status: criteria provided, single submitter. Criteria: ACMG Guidelines, 2015. Collection method: clinical testing. Allele origin: germline. Inheritance: Autosomal recessive inheritance. Affected: no. Observed: 1 variant allele.

Myriad Genetics, Inc.
Classification: Pathogenic for Joubert syndrome and related disorders. Last evaluated: 2024-08-24. Review status: criteria provided, single submitter. Criteria: Myriad Autosomal Dominant, Autosomal Recessive and X-Linked Classification Criteria (2023). Collection method: clinical testing. Allele origin: unknown.
Comment: NM_001080522.2(CC2D2A):c.1738C>T(Q580*) is expected to be pathogenic in the context of CC2D2A-related disorders. This variant is predicted to lead to an abnormal or absent protein product due to the creation of a premature termination codon in CC2D2A, a gene where loss-of-function variants are known to be pathogenic. Please note: this variant was assessed in the context of healthy population screening.

Institute of Human Genetics, Univ. Regensburg, Univ. Regensburg
Classification: Pathogenic for Retinal dystrophy. Last evaluated: 2022-01-01. Review status: no assertion criteria provided. Criteria: ACMG Guidelines, 2015. Collection method: clinical testing. Allele origin: germline. Affected: yes. Not counted in ClinVar's aggregate classification.

NM_001378615.1(CC2D2A):c.1738C>T (p.Gln580Ter)

Genes: CC2D2A (coiled-coil and C2 domain containing 2A; plus strand), FBXL5 (F-box and leucine rich repeat protein 5; minus strand). Cytogenetic location: 4p15.32.
Variant type: single nucleotide variant.
Coding change: c.1738C>T on transcript NM_001378615.1 (MANE Select); coding-DNA position 1738, C replaced by T.
Protein change: p.Gln580Ter; replaces glutamine 580 with a stop codon.
Molecular consequence: nonsense.
Genome position (GRCh38, 1-based): chr4:15,537,050, C>T. VCF-style: chr4-15537050-C-T. GRCh37 (hg19) VCF-style: chr4-15538673-C-T.
Other names: c.1738C>T, p.Gln580Ter (NM_001080522.2); c.1591C>T, p.Gln531Ter (NM_001378617.1); short protein forms Q531*, Q580*.
Identifiers: ClinVar variation 3249076 (VCV003249076.3).